The following is an entry in ClinVar:

ClinVar aggregate classification (germline): Uncertain significance (1 of 4 stars; one submission).

Conditions:
Gorlin syndrome. Also called: Nevoid Basal Cell Carcinoma Syndrome; Basal cell nevus syndrome. Identifiers: Orphanet 377, MedGen C0004779, MONDO:0007187.
Medulloblastoma (MDB). Also called: Medulloblastoma, somatic; MEDULLOBLASTOMA PREDISPOSITION SYNDROME. Identifiers: Orphanet 616, MedGen C0025149, MeSH D008527, MONDO:0007959, OMIM 155255, HP:0002885.

Allele frequency attached by ClinVar (database versions not stated): gnomAD 0.00001.

Submission:

Labcorp Genetics (formerly Invitae), Labcorp
Classification: Uncertain significance for Gorlin syndrome; Medulloblastoma. Last evaluated: 2018-12-07. Review status: criteria provided, single submitter. Criteria: Invitae Variant Classification Sherloc (09022015). Collection method: clinical testing. Allele origin: germline.
Comment: Algorithms developed to predict the effect of missense changes on protein structure and function are either unavailable or do not agree on the potential impact of this missense change (SIFT: "Tolerated"; PolyPhen-2: "Possibly Damaging"; Align-GVGD: "Class C0"). This variant has not been reported in the literature in individuals with SUFU-related conditions. The frequency data for this variant in the population databases is considered unreliable, as metrics indicate insufficient coverage at this position in the ExAC database. This sequence change replaces alanine with valine at codon 2 of the SUFU protein (p.Ala2Val). The alanine residue is moderately conserved and there is a small physicochemical difference between alanine and valine. In summary, the available evidence is currently insufficient to determine the role of this variant in disease. Therefore, it has been classified as a Variant of Uncertain Significance.

NM_016169.4(SUFU):c.5C>T (p.Ala2Val)

Genes: SUFU (SUFU negative regulator of hedgehog signaling; plus strand), LOC130004614 (ATAC-STARR-seq lymphoblastoid silent region 2764; plus strand). Cytogenetic location: 10q24.32.
Variant type: single nucleotide variant.
Coding change: c.5C>T on transcript NM_016169.4 (MANE Select); coding-DNA position 5, C replaced by T.
Protein change: p.Ala2Val; replaces alanine 2 with valine.
Molecular consequence: missense variant.
Genome position (GRCh38, 1-based): chr10:102,504,157, C>T. VCF-style: chr10-102504157-C-T. GRCh37 (hg19) VCF-style: chr10-104263914-C-T.
Other names: c.5C>T, p.Ala2Val (NM_001178133.2); short protein forms A2V.
Identifiers: ClinVar variation 666154 (VCV000666154.9), dbSNP rs1589969719, ClinGen allele CA377886005.